The following is an entry in ClinVar:

NM_002063.4(GLRA2):c.1089C>T (p.Asp363=)

Genes: FANCB (FA complementation group B; minus strand), GLRA2 (glycine receptor alpha 2; plus strand). Cytogenetic location: Xp22.2.
Variant type: single nucleotide variant.
Coding change: c.1089C>T on transcript NM_002063.4 (MANE Select); coding-DNA position 1089, C replaced by T.
Protein change: p.Asp363=; no amino-acid change (aspartic acid 363 retained).
Molecular consequence: synonymous variant.
Genome position (GRCh38, 1-based): chrX:14,730,215, C>T. VCF-style: chrX-14730215-C-T. GRCh37 (hg19) VCF-style: chrX-14748337-C-T.
Other names: c.1089C>T, p.Asp363= (NM_001118885.2, NM_001118886.2); c.822C>T, p.Asp274= (NM_001171942.2); c.1089C>T (NM_002063.3).
Identifiers: ClinVar variation 780683 (VCV000780683.7), dbSNP rs78179793, ClinGen allele CA10352856.

ClinVar aggregate classification (germline): Benign. Review status: criteria provided, multiple submitters, no conflicts (2 of 4 stars). 3 submissions from 3 submitters: Benign (2). 1 of the submissions does not count toward it. Last evaluated 2019-12-31.

Conditions:
GLRA2-related disorder. Also called: GLRA2-related condition.

Allele frequency attached by ClinVar (database versions not stated): gnomAD exomes 0.00173 and 0.00530; 1000 Genomes Project 0.02755; ExAC 0.00694; 1000 Genomes Project 30x 0.03039; gnomAD 0.01899 and 0.01813; ESP Exome Variant Server 0.02054; TOPMed 0.02160.
gnomAD v4.1: 4,017 of 1,197,288 alleles (0.34%); highest among the groups gnomAD compares: African/African-American, 5.9%; 74 homozygotes.

Submissions (3):

Labcorp Genetics (formerly Invitae), Labcorp
Classification: Benign. Last evaluated: 2019-12-31. Review status: criteria provided, single submitter. Criteria: Invitae Variant Classification Sherloc (09022015). Collection method: clinical testing. Allele origin: germline.

Breakthrough Genomics
Classification: Benign. Review status: criteria provided, single submitter. Criteria: ACMG Guidelines, 2015. Collection method: not provided. Allele origin: germline. Inheritance: X-linked inheritance. Affected: yes.

PreventionGenetics, part of Exact Sciences
Classification: Benign for GLRA2-related condition. Last evaluated: 2019-04-01. Review status: no assertion criteria provided. Collection method: clinical testing. Allele origin: germline. Not counted in ClinVar's aggregate classification.
Comment: This variant is classified as benign based on ACMG/AMP sequence variant interpretation guidelines (Richards et al. 2015 PMID: 25741868, with internal and published modifications).